The following is an entry in ClinVar:

ClinVar aggregate classification (germline): Uncertain significance. Review status: criteria provided, multiple submitters, no conflicts (2 of 4 stars). 2 submissions from 2 submitters: Uncertain significance (2). Last evaluated 2026-09-14.

Conditions:
Hereditary cancer-predisposing syndrome. Also called: Hereditary Cancer Syndrome; Neoplastic Syndromes, Hereditary; Hereditary neoplastic syndrome; Tumor predisposition. Identifiers: Orphanet 140162, MedGen C0027672, MeSH D009386, MONDO:0015356.

Allele frequency attached by ClinVar (database versions not stated): gnomAD exomes below 0.00001.
gnomAD v4.1: 1 of 1,613,668 alleles (0.000062%); highest among the groups gnomAD compares: Non-Finnish European, 0.000085%; no homozygotes.

Submissions (2):

Ambry Genetics
Classification: Uncertain significance for Hereditary cancer-predisposing syndrome. Last evaluated: 2026-09-14. Review status: criteria provided, single submitter. Criteria: Ambry Variant Classification Scheme 2023. Collection method: clinical testing. Allele origin: germline.
Comment: The p.G854A variant (also known as c.2561G>C), located in coding exon 22 of the POLE gene, results from a G to C substitution at nucleotide position 2561. The glycine at codon 854 is replaced by alanine, an amino acid with similar properties. However, this change occurs in the last base pair of coding exon 22 and may have some effect on normal mRNA splicing. This nucleotide position is highly conserved in available vertebrate species. In silico splice site analysis predicts that this alteration will not have any significant effect on splicing. This amino acid position is highly conserved in available vertebrate species. In addition, as a missense substitution this is predicted to be deleterious by in silico analysis. Based on the available evidence, the clinical significance of this variant remains unclear.

Labcorp Genetics (formerly Invitae), Labcorp
Classification: Uncertain significance. Last evaluated: 2024-05-21. Review status: criteria provided, single submitter. Criteria: Invitae Variant Classification Sherloc (09022015). Collection method: clinical testing. Allele origin: germline.
Comment: This sequence change replaces glycine, which is neutral and non-polar, with alanine, which is neutral and non-polar, at codon 854 of the POLE protein (p.Gly854Ala). This variant also falls at the last nucleotide of exon 22, which is part of the consensus splice site for this exon. This variant is not present in population databases (gnomAD no frequency). This variant has not been reported in the literature in individuals affected with POLE-related conditions. ClinVar contains an entry for this variant (Variation ID: 1407589). An algorithm developed to predict the effect of missense changes on protein structure and function (PolyPhen-2) suggests that this variant is likely to be disruptive. Variants that disrupt the consensus splice site are a relatively common cause of aberrant splicing (PMID: 17576681, 9536098). In summary, the available evidence is currently insufficient to determine the role of this variant in disease. Therefore, it has been classified as a Variant of Uncertain Significance.

Literature cited by the submitters: PubMed 17576681 (cited by Labcorp Genetics (formerly Invitae), Labcorp); PubMed 9536098 (cited by Labcorp Genetics (formerly Invitae), Labcorp).

NM_006231.4(POLE):c.2561G>C (p.Gly854Ala)

Gene: POLE (DNA polymerase epsilon, catalytic subunit; minus strand). Cytogenetic location: 12q24.33.
Variant type: single nucleotide variant.
Coding change: c.2561G>C on transcript NM_006231.4 (MANE Select); coding-DNA position 2561, G replaced by C.
Protein change: p.Gly854Ala; replaces glycine 854 with alanine.
Molecular consequence: missense variant.
Genome position (GRCh38, 1-based): chr12:132,664,370, C>G on the plus strand (G>C on the coding strand, the complement: POLE is on the minus strand). VCF-style: chr12-132664370-C-G. GRCh37 (hg19) VCF-style: chr12-133240956-C-G.
Other names: c.2561G>C (NM_006231.2); short protein forms G854A.
Identifiers: ClinVar variation 1407589 (VCV001407589.7), dbSNP rs2042745178, ClinGen allele CA387396101.